The following is an entry in ClinVar:

ClinVar aggregate classification (germline): Uncertain significance (1 of 4 stars; one submission).

Submission:

Ambry Genetics
Classification: Uncertain significance. Last evaluated: 2025-11-05. Review status: criteria provided, single submitter. Criteria: Ambry Variant Classification Scheme 2023. Collection method: clinical testing. Allele origin: germline.
Comment: The p.P2066R variant (also known as c.6197C>G), located in coding exon 25 of the WNK2 gene, results from a C to G substitution at nucleotide position 6197. The proline at codon 2066 is replaced by arginine, an amino acid with dissimilar properties. This amino acid position is conserved. In addition, this alteration is predicted to be deleterious by in silico analysis. Based on the available evidence, the clinical significance of this variant remains unclear.

NM_006648.4(WNK2):c.6197C>G (p.Pro2066Arg)

Gene: WNK2 (WNK lysine deficient protein kinase 2; plus strand). Cytogenetic location: 9q22.31.
Variant type: single nucleotide variant.
Coding change: c.6197C>G on transcript NM_006648.4 (MANE Select); coding-DNA position 6197, C replaced by G.
Protein change: p.Pro2066Arg; replaces proline 2066 with arginine.
Molecular consequence: missense variant.
Genome position (GRCh38, 1-based): chr9:93,300,132, C>G. VCF-style: chr9-93300132-C-G. GRCh37 (hg19) VCF-style: chr9-96062414-C-G.
Other names: c.6308C>G, p.Pro2103Arg (NM_001282394.3); short protein forms P2103R, P2066R.
Identifiers: ClinVar variation 4605340 (VCV004605340.1).